The following is an entry in ClinVar:

NM_012200.4(B3GAT3):c.505C>T (p.Arg169Trp)

Gene: B3GAT3 (beta-1,3-glucuronyltransferase 3; minus strand). Cytogenetic location: 11q12.3.
Variant type: single nucleotide variant.
Coding change: c.505C>T on transcript NM_012200.4 (MANE Select); coding-DNA position 505, C replaced by T.
Protein change: p.Arg169Trp; replaces arginine 169 with tryptophan.
Molecular consequence: missense variant. On other transcripts: non-coding transcript variant (1).
Genome position (GRCh38, 1-based): chr11:62,617,100, G>A on the plus strand (C>T on the coding strand, the complement: B3GAT3 is on the minus strand). VCF-style: chr11-62617100-G-A. GRCh37 (hg19) VCF-style: chr11-62384572-G-A.
Other names: B3GAT3, ARG169TRP; c.484C>T, p.Arg162Trp (NM_001288721.2); c.505C>T, p.Arg169Trp (NM_001288722.2, NM_001288723.2); short protein forms R169W, R162W.
Identifiers: ClinVar variation 981501 (VCV000981501.6), dbSNP rs766019547, ClinGen allele CA6050101.
Genomic context (GRCh38, chr11:62,617,100, plus strand): 5'-CTCCTTGGGTCCCTGGTGGTGGTGGGTCCTTCTCCCCACCCACAGCACCCCCTCTGCCCC[G>A]GAGCCAGTCCAGGGCCTTGTTCCGCTGCTCGACACCACGGGGATGAACCCAGCCAGGCTC-3'
Protein context (NP_036332.2, residues 159-179): EQRNKALDWL[Arg169Trp]GRGGAVGGEK

ClinVar aggregate classification (germline): Pathogenic/Likely pathogenic. Review status: criteria provided, multiple submitters, no conflicts (2 of 4 stars). 4 submissions from 4 submitters: Pathogenic (1); Likely pathogenic (2). 1 of the submissions does not count toward it. Last evaluated 2025-05-27.

Conditions:
MULTIPLE JOINT DISLOCATIONS, SHORT STATURE, AND CRANIOFACIAL DYSMORPHISM WITHOUT CONGENITAL HEART DEFECTS.
Larsen-like syndrome, B3GAT3 type. Also called: MULTIPLE JOINT DISLOCATIONS, SHORT STATURE, AND CRANIOFACIAL DYSMORPHISM WITH OR WITHOUT CONGENITAL HEART DEFECTS; Multiple joint dislocations, short stature, craniofacial dysmorphism, with or without congenital heart defects. Identifiers: Orphanet 284139, MedGen CN034159, MONDO:0009511, OMIM 245600.

Allele frequency attached by ClinVar (database versions not stated): gnomAD 0.00001; gnomAD exomes 0.00001; ExAC 0.00002; TOPMed below 0.00001.
gnomAD v4.1: 20 of 1,614,020 alleles (0.0012%); highest among the groups gnomAD compares: East Asian, 0.0089%; no homozygotes.

Submissions (4):

Labcorp Genetics (formerly Invitae), Labcorp
Classification: Likely pathogenic for Larsen-like syndrome, B3GAT3 type. Last evaluated: 2025-05-27. Review status: criteria provided, single submitter. Criteria: Invitae Variant Classification Sherloc (09022015). Collection method: clinical testing. Allele origin: germline.
Comment: This sequence change replaces arginine, which is basic and polar, with tryptophan, which is neutral and slightly polar, at codon 169 of the B3GAT3 protein (p.Arg169Trp). This variant is present in population databases (rs766019547, gnomAD 0.003%). This missense change has been observed in individual(s) with B3GAT3-related conditions (PMID: 31988067). In at least one individual the data is consistent with being in trans (on the opposite chromosome) from a pathogenic variant. It has also been observed to segregate with disease in related individuals. ClinVar contains an entry for this variant (Variation ID: 981501). Invitae Evidence Modeling of protein sequence and biophysical properties (such as structural, functional, and spatial information, amino acid conservation, physicochemical variation, residue mobility, and thermodynamic stability) indicates that this missense variant is expected to disrupt B3GAT3 protein function with a positive predictive value of 80%. Experimental studies have shown that this missense change affects B3GAT3 function (PMID: 31988067). In summary, the currently available evidence indicates that the variant is pathogenic, but additional data are needed to prove that conclusively. Therefore, this variant has been classified as Likely Pathogenic.

Institute of Human Genetics, University of Leipzig Medical Center
Classification: Pathogenic for Larsen-like syndrome, B3GAT3 type. Last evaluated: 2023-08-29. Review status: criteria provided, single submitter. Criteria: ACMG Guidelines, 2015. Collection method: clinical testing. Allele origin: unknown. Inheritance: Autosomal recessive inheritance. Affected: yes.
Comment: Criteria applied: PS3,PM3_STR,PM1_SUP,PM2_SUP,PP4; Identified as compund heterozygous with NM_012200.4:c.986C>G

Juno Genomics, Hangzhou Juno Genomics, Inc
Classification: Likely pathogenic for Larsen-like syndrome, B3GAT3 type. Review status: criteria provided, single submitter. Criteria: ACMG Guidelines, 2015. Collection method: clinical testing. Allele origin: germline.
Comment: Absent from controls (or at extremely low frequency if recessive) in Genome Aggregation Database.;For recessive disorders, detected in trans with a pathogenic variant.;Co-segregation with disease in multiple affected family members.;Patient's phenotype or family history is highly specific for a disease with a single genetic etiology.;Well-established in vitro or in vivo functional studies supportive of a damaging effect on the gene or gene product.

OMIM
Classification: Pathogenic for MULTIPLE JOINT DISLOCATIONS, SHORT STATURE, AND CRANIOFACIAL DYSMORPHISM WITHOUT CONGENITAL HEART DEFECTS. Last evaluated: 2020-10-19. Review status: no assertion criteria provided. Collection method: literature only. Allele origin: germline. Not counted in ClinVar's aggregate classification.

Literature cited by the submitters: PubMed 31988067 (cited by Labcorp Genetics (formerly Invitae), Labcorp and OMIM); PubMed 26754439 (cited by OMIM).